The following is an entry in ClinVar:

ClinVar aggregate classification (germline): Uncertain significance. Review status: criteria provided, multiple submitters, no conflicts (2 of 4 stars). 2 submissions from 2 submitters: Uncertain significance (2). Last evaluated 2025-05-15.

Conditions:
Hereditary cancer-predisposing syndrome. Also called: Neoplastic Syndromes, Hereditary; Tumor predisposition; Hereditary Cancer Syndrome; Hereditary neoplastic syndrome. Identifiers: Orphanet 140162, MedGen C0027672, MeSH D009386, MONDO:0015356.
Familial cancer of breast. Also called: BREAST CANCER, FAMILIAL; Hereditary breast cancer; hereditary breast carcinoma. Identifiers: Orphanet 227535, MedGen C0346153, MONDO:0016419, OMIM 114480. Disease mechanism: loss of function.

Submissions (2):

Labcorp Genetics (formerly Invitae), Labcorp
Classification: Uncertain significance for Familial cancer of breast. Last evaluated: 2025-05-15. Review status: criteria provided, single submitter. Criteria: Invitae Variant Classification Sherloc (09022015). Collection method: clinical testing. Allele origin: germline.
Comment: This sequence change replaces valine, which is neutral and non-polar, with leucine, which is neutral and non-polar, at codon 1123 of the PALB2 protein (p.Val1123Leu). This variant is not present in population databases (gnomAD no frequency). This variant has not been reported in the literature in individuals affected with PALB2-related conditions. ClinVar contains an entry for this variant (Variation ID: 3413453). An algorithm developed to predict the effect of missense changes on protein structure and function (PolyPhen-2) suggests that this variant is likely to be disruptive. In summary, the available evidence is currently insufficient to determine the role of this variant in disease. Therefore, it has been classified as a Variant of Uncertain Significance.

Ambry Genetics
Classification: Uncertain significance for Hereditary cancer-predisposing syndrome. Last evaluated: 2024-09-10. Review status: criteria provided, single submitter. Criteria: Ambry Variant Classification Scheme 2023. Collection method: clinical testing. Allele origin: germline.
Comment: The p.V1123L variant (also known as c.3367G>T), located in coding exon 13 of the PALB2 gene, results from a G to T substitution at nucleotide position 3367. The valine at codon 1123 is replaced by leucine, an amino acid with highly similar properties. This amino acid position is highly conserved in available vertebrate species. In addition, this alteration is predicted to be tolerated by in silico analysis. Based on the available evidence, the clinical significance of this variant remains unclear.

NM_024675.4(PALB2):c.3367G>T (p.Val1123Leu)

Gene: PALB2 (partner and localizer of BRCA2; minus strand). Cytogenetic location: 16p12.2.
Variant type: single nucleotide variant.
Coding change: c.3367G>T on transcript NM_024675.4 (MANE Select); coding-DNA position 3367, G replaced by T.
Protein change: p.Val1123Leu; replaces valine 1123 with leucine.
Molecular consequence: missense variant. On other transcripts: 3 prime UTR variant (5).
Genome position (GRCh38, 1-based): chr16:23,603,653, C>A on the plus strand (G>T on the coding strand, the complement: PALB2 is on the minus strand). VCF-style: chr16-23603653-C-A. GRCh37 (hg19) VCF-style: chr16-23614974-C-A.
Other names: c.3307G>T, p.Val1103Leu (NM_001407296.1); c.3295G>T, p.Val1099Leu (NM_001407297.1); c.3205G>T, p.Val1069Leu (NM_001407298.1); c.3130G>T, p.Val1044Leu (NM_001407299.1); c.3088G>T, p.Val1030Leu (NM_001407300.1); c.*2G>T (NM_001407301.1, NM_001407302.1, NM_001407310.1 and 2 more transcripts); c.2482G>T, p.Val828Leu (NM_001407304.1, NM_001407305.1, NM_001407306.1); c.2320G>T, p.Val774Leu (NM_001407307.1); and 3 more; short protein forms V774L, V301L, V527L, V749L, V1044L, V1123L, V828L, V1030L.
Identifiers: ClinVar variation 3413453 (VCV003413453.3).